The following is an entry in ClinVar:

NM_002804.5(PSMC3):c.873C>G (p.Ile291Met)

Gene: PSMC3 (proteasome 26S subunit, ATPase 3; minus strand). Cytogenetic location: 11p11.2.
Variant type: single nucleotide variant.
Coding change: c.873C>G on transcript NM_002804.5 (MANE Select); coding-DNA position 873, C replaced by G.
Protein change: p.Ile291Met; replaces isoleucine 291 with methionine.
Molecular consequence: missense variant.
Genome position (GRCh38, 1-based): chr11:47,422,585, G>C on the plus strand (C>G on the coding strand, the complement: PSMC3 is on the minus strand). VCF-style: chr11-47422585-G-C. GRCh37 (hg19) VCF-style: chr11-47444136-G-C.
Other names: short protein forms I291M.
Identifiers: ClinVar variation 3342943 (VCV003342943.1).

ClinVar aggregate classification (germline): Uncertain significance (1 of 4 stars; one submission).

Submission:

GeneDx
Classification: Uncertain significance. Last evaluated: 2023-04-11. Review status: criteria provided, single submitter. Criteria: GeneDx Variant Classification Process June 2021. Collection method: clinical testing. Allele origin: germline. Affected: yes.
Comment: Not observed at significant frequency in large population cohorts (gnomAD); In silico analysis supports that this missense variant has a deleterious effect on protein structure/function; Has not been previously published as pathogenic or benign to our knowledge; Variants in candidate genes are classified as variants of uncertain significance in accordance with ACMG guidelines (Richards et al., 2015)